The following is an entry in ClinVar:

NM_001370658.1(BTD):c.124del (p.Val42fs)

Gene: BTD (biotinidase; plus strand). Cytogenetic location: 3p25.1.
Variant type: Deletion.
Coding change: c.124del on transcript NM_001370658.1 (MANE Select); coding-DNA position 124, one base deleted (G; older notation c.124delG).
Protein change: p.Val42fs; shifts the reading frame from valine 42.
Molecular consequence: frameshift variant.
Genome position (GRCh38, 1-based): chr3:15,635,563, G deleted. VCF-style (leftmost placement, unchanged base first): chr3-15635562-CG-C. GRCh37 (hg19) VCF-style: chr3-15677069-CG-C.
Other names: c.124del, p.Val42fs (NM_001281723.4, NM_001281724.3, NM_001281725.3 and 37 more transcripts); short protein forms V42fs.
Identifiers: ClinVar variation 5014574 (VCV005014574.1).
Genomic context (GRCh38, chr3:15,635,562, plus strand): 5'-AGCCCACACCGGGGAGGAGAGCGTGGCTGACCATCACGAGGCTGAATATTATGTGGCTGC[CG>C]TGTATGAGCATCCATCCATCCTGAGTCTGAACCCTCTGGCTCTCATCAGCCGCCAAGAGG-3'

ClinVar aggregate classification (germline): Pathogenic (1 of 4 stars; one submission).

Conditions:
Biotinidase deficiency. Also called: BTD deficiency; Late-onset biotin-responsive multiple carboxylase deficiency; Biotin deficiency. Identifiers: Orphanet 79241, MedGen C0220754, MONDO:0009665, OMIM 253260.

Submission:

Myriad Genetics, Inc.
Classification: Pathogenic for Biotinidase deficiency. Last evaluated: 2025-06-10. Review status: criteria provided, single submitter. Criteria: Myriad Autosomal Dominant, Autosomal Recessive and X-Linked Classification Criteria (2023). Collection method: clinical testing. Allele origin: unknown.
Comment: NM_000060.2(BTD):c.184delG(V62Cfs*8) is expected to be pathogenic in the context of biotinidase deficiency. This variant is predicted to lead to an abnormal or absent protein product due to the creation of a premature termination codon in BTD, a gene where loss-of-function variants are known to be pathogenic. Please note: this variant was assessed in the context of healthy population screening.